The following is an entry in ClinVar:

NM_000540.3(RYR1):c.341G>T (p.Arg114Leu)

Gene: RYR1 (ryanodine receptor 1; plus strand). Cytogenetic location: 19q13.2.
Variant type: single nucleotide variant.
Coding change: c.341G>T on transcript NM_000540.3 (MANE Select); coding-DNA position 341, G replaced by T.
Protein change: p.Arg114Leu; replaces arginine 114 with leucine.
Molecular consequence: missense variant.
Genome position (GRCh38, 1-based): chr19:38,443,628, G>T. VCF-style: chr19-38443628-G-T. GRCh37 (hg19) VCF-style: chr19-38934268-G-T.
Other names: c.341G>T, p.Arg114Leu (NM_001042723.2); short protein forms R114L.
Identifiers: ClinVar variation 4758616 (VCV004758616.1).
Genomic context (GRCh38, chr19:38,443,628, plus strand): 5'-GCGGGGGACACAGGACGCTCCTGTATGGCCATGCCATCCTGCTCCGGCATGCACACAGCC[G>T]CATGGTGAGTGCAACCTCGGTGGGCGTGGGCAGGGGCCAGGGCATGTGGGGCCTGCTAGA-3'
Protein context (NP_000531.2, residues 104-124): HAILLRHAHS[Arg114Leu]MYLSCLTTSR

ClinVar aggregate classification (germline): Uncertain significance (1 of 4 stars; one submission).

Conditions:
Malignant hyperthermia, susceptibility to, 1 (MHS1). Also called: RYR1-Related Malignant Hyperthermia Susceptibility; Malignant hyperthermia suceptibility 1; Anesthesia related hyperthermia; Malignant hyperpyrexia; Fulminating hyperpyrexia; Pharmacogenic myopathy. Identifiers: Orphanet 423, MedGen C2930980, MONDO:0007783, OMIM 145600.

gnomAD v4.1: 9 of 1,614,056 alleles (0.00056%); highest among the groups gnomAD compares: Non-Finnish European, 0.00068%; no homozygotes.

Submission:

Color Diagnostics, LLC DBA Color Health
Classification: Uncertain significance for Malignant hyperthermia, susceptibility to, 1. Last evaluated: 2025-08-08. Review status: criteria provided, single submitter. Criteria: ACMG Guidelines, 2015. Collection method: clinical testing. Allele origin: germline.
Comment: This missense variant replaces arginine with leucine at codon 114 of the RYR1 protein. Computational prediction is inconclusive regarding the impact of this variant on protein structure and function. To our knowledge, functional studies have not been reported for this variant. This variant has not been reported in individuals affected with RYR1-related disorders in the literature. This variant has been identified in 2/251274 chromosomes in the general population by the Genome Aggregation Database (gnomAD). The available evidence is insufficient to determine the role of this variant in disease conclusively. Therefore, this variant is classified as a Variant of Uncertain Significance.